The following is an entry in ClinVar:

NM_020699.4(GATAD2B):c.125G>A (p.Arg42His)

Gene: GATAD2B (GATA zinc finger domain containing 2B; minus strand). Cytogenetic location: 1q21.3.
Variant type: single nucleotide variant.
Coding change: c.125G>A on transcript NM_020699.4 (MANE Select); coding-DNA position 125, G replaced by A.
Protein change: p.Arg42His; replaces arginine 42 with histidine.
Molecular consequence: missense variant.
Genome position (GRCh38, 1-based): chr1:153,828,223, C>T on the plus strand (G>A on the coding strand, the complement: GATAD2B is on the minus strand). VCF-style: chr1-153828223-C-T. GRCh37 (hg19) VCF-style: chr1-153800699-C-T.
Other names: short protein forms R42H.
Identifiers: ClinVar variation 1908949 (VCV001908949.5), dbSNP rs1347107092, ClinGen allele CA342541326.
Genomic context (GRCh38, chr1:153,828,223, plus strand): 5'-TCATGTGGCACCTCAAGATTTGCCAAATCCTTCCTTTTGAGCAATGCCAACATTTTCAGA[C>T]GTTCCATGGCCTCATGCCCCTCCATTTTGAGTCGCTTTGCCAGGACATCATCTCGCTCAT-3'
Protein context (NP_065750.1, residues 32-52): LKMEGHEAME[Arg42His]LKMLALLKRK

ClinVar aggregate classification (germline): Uncertain significance (1 of 4 stars; one submission).

Allele frequency attached by ClinVar (database versions not stated): gnomAD exomes 0.00001.
gnomAD v4.1: 11 of 1,614,214 alleles (0.00068%); highest among the groups gnomAD compares: East Asian, 0.0022%; no homozygotes.

Submission:

Labcorp Genetics (formerly Invitae), Labcorp
Classification: Uncertain significance. Last evaluated: 2024-04-03. Review status: criteria provided, single submitter. Criteria: Invitae Variant Classification Sherloc (09022015). Collection method: clinical testing. Allele origin: germline.
Comment: This sequence change replaces arginine, which is basic and polar, with histidine, which is basic and polar, at codon 42 of the GATAD2B protein (p.Arg42His). This variant is present in population databases (no rsID available, gnomAD 0.006%). This variant has not been reported in the literature in individuals affected with GATAD2B-related conditions. ClinVar contains an entry for this variant (Variation ID: 1908949). Advanced modeling of protein sequence and biophysical properties (such as structural, functional, and spatial information, amino acid conservation, physicochemical variation, residue mobility, and thermodynamic stability) has been performed at Invitae for this missense variant, however the output from this modeling did not meet the statistical confidence thresholds required to predict the impact of this variant on GATAD2B protein function. In summary, the available evidence is currently insufficient to determine the role of this variant in disease. Therefore, it has been classified as a Variant of Uncertain Significance.